The following is an entry in ClinVar:

ClinVar aggregate classification (germline): Uncertain significance. Review status: criteria provided, multiple submitters, no conflicts (2 of 4 stars). 2 submissions from 2 submitters: Uncertain significance (2). Last evaluated 2024-10-24.

Conditions:
Hereditary cancer-predisposing syndrome. Also called: Tumor predisposition; Hereditary Cancer Syndrome; Hereditary neoplastic syndrome; Neoplastic Syndromes, Hereditary. Identifiers: Orphanet 140162, MedGen C0027672, MeSH D009386, MONDO:0015356.

Allele frequency attached by ClinVar (database versions not stated): TOPMed below 0.00001.

Submissions (2):

Labcorp Genetics (formerly Invitae), Labcorp
Classification: Uncertain significance. Last evaluated: 2024-10-24. Review status: criteria provided, single submitter. Criteria: Invitae Variant Classification Sherloc (09022015). Collection method: clinical testing. Allele origin: germline.
Comment: This sequence change replaces alanine, which is neutral and non-polar, with valine, which is neutral and non-polar, at codon 294 of the SMARCB1 protein (p.Ala294Val). This variant is not present in population databases (gnomAD no frequency). This variant has not been reported in the literature in individuals affected with SMARCB1-related conditions. ClinVar contains an entry for this variant (Variation ID: 486505). Invitae Evidence Modeling of protein sequence and biophysical properties (such as structural, functional, and spatial information, amino acid conservation, physicochemical variation, residue mobility, and thermodynamic stability) indicates that this missense variant is expected to disrupt SMARCB1 protein function with a positive predictive value of 80%. In summary, the available evidence is currently insufficient to determine the role of this variant in disease. Therefore, it has been classified as a Variant of Uncertain Significance.

Ambry Genetics
Classification: Uncertain significance for Hereditary cancer-predisposing syndrome. Last evaluated: 2017-07-18. Review status: criteria provided, single submitter. Criteria: Ambry Variant Classification Scheme 2023. Collection method: clinical testing. Allele origin: germline.
Comment: The p.A294V variant (also known as c.881C>T), located in coding exon 7 of the SMARCB1 gene, results from a C to T substitution at nucleotide position 881. The alanine at codon 294 is replaced by valine, an amino acid with similar properties. This amino acid position is highly conserved in available vertebrate species. In addition, this alteration is predicted to be deleterious by in silico analysis. Since supporting evidence is limited at this time, the clinical significance of this alteration remains unclear.

NM_003073.5(SMARCB1):c.881C>T (p.Ala294Val)

Gene: SMARCB1 (SWI/SNF related BAF chromatin remodeling complex subunit B1; plus strand). Cytogenetic location: 22q11.23.
Variant type: single nucleotide variant.
Coding change: c.881C>T on transcript NM_003073.5 (MANE Select); coding-DNA position 881, C replaced by T.
Protein change: p.Ala294Val; replaces alanine 294 with valine.
Molecular consequence: missense variant.
Genome position (GRCh38, 1-based): chr22:23,825,310, C>T. VCF-style: chr22-23825310-C-T. GRCh37 (hg19) VCF-style: chr22-24167497-C-T.
Other names: c.881C>T (LRG_520t1); c.854C>T, p.Ala285Val (NM_001007468.3); c.908C>T, p.Ala303Val (NM_001317946.2); c.935C>T, p.Ala312Val (NM_001362877.2); short protein forms A294V, A303V, A312V, A285V.
Identifiers: ClinVar variation 486505 (VCV000486505.13), dbSNP rs1555880581, ClinGen allele CA410907298.